The following is an entry in ClinVar:

NM_002225.5(IVD):c.520G>T (p.Val174Phe)

Gene: IVD (isovaleryl-CoA dehydrogenase; plus strand). Cytogenetic location: 15q15.1.
Variant type: single nucleotide variant.
Coding change: c.520G>T on transcript NM_002225.5 (MANE Select); coding-DNA position 520, G replaced by T.
Protein change: p.Val174Phe; replaces valine 174 with phenylalanine.
Molecular consequence: missense variant. On other transcripts: non-coding transcript variant (1).
Genome position (GRCh38, 1-based): chr15:40,411,323, G>T. VCF-style: chr15-40411323-G-T. GRCh37 (hg19) VCF-style: chr15-40703522-G-T.
Other names: c.430G>T, p.Val144Phe (NM_001159508.3); c.472G>T, p.Val158Phe (NM_001354597.3); c.520G>T, p.Val174Phe (NM_001354598.3, NM_001354601.3); c.607G>T, p.Val203Phe (NM_001354599.3, NM_001354600.3); short protein forms V144F, V158F, V174F, V203F.
Identifiers: ClinVar variation 3898026 (VCV003898026.1).

ClinVar aggregate classification (germline): Uncertain significance (1 of 4 stars; one submission).

Conditions:
Isovaleryl-CoA dehydrogenase deficiency (IVA). Also called: ISOVALERIC ACID CoA DEHYDROGENASE DEFICIENCY; Isovaleric acidemia; IVD DEFICIENCY; Classic Isovaleric Acidemia. Identifiers: Orphanet 33, MedGen C0268575, MONDO:0009475, OMIM 243500.

gnomAD v4.1: 7 of 1,614,208 alleles (0.00043%); highest among the groups gnomAD compares: South Asian, 0.0066%; no homozygotes.

Submission:

Neuberg Centre For Genomic Medicine, NCGM
Classification: Uncertain significance for Isovaleryl-CoA dehydrogenase deficiency. Last evaluated: 2024-02-01. Review status: criteria provided, single submitter. Criteria: ACMG Guidelines, 2015. Collection method: clinical testing. Allele origin: germline. Inheritance: Autosomal recessive inheritance.
Comment: The above variant in IVD gene has not been reported previously as a pathogenic variant nor as a benign variant, to our knowledge. In absence of another reportable variant in IVD gene, the molecular diagnosis is not confirmed